The following is an entry in ClinVar:

NM_000136.3(FANCC):c.228G>T (p.Trp76Cys)

Gene: FANCC (FA complementation group C; minus strand). Cytogenetic location: 9q22.32.
Variant type: single nucleotide variant.
Coding change: c.228G>T on transcript NM_000136.3 (MANE Select); coding-DNA position 228, G replaced by T.
Protein change: p.Trp76Cys; replaces tryptophan 76 with cysteine.
Molecular consequence: missense variant.
Genome position (GRCh38, 1-based): chr9:95,247,454, C>A on the plus strand (G>T on the coding strand, the complement: FANCC is on the minus strand). VCF-style: chr9-95247454-C-A. GRCh37 (hg19) VCF-style: chr9-98009736-C-A.
Other names: c.228G>T, p.Trp76Cys (NM_001243743.2, NM_001243744.2); short protein forms W76C.
Identifiers: ClinVar variation 234633 (VCV000234633.8), dbSNP rs876661132, ClinGen allele CA10577381.

ClinVar aggregate classification (germline): Uncertain significance. Review status: criteria provided, multiple submitters, no conflicts (2 of 4 stars). 4 submissions from 4 submitters: Uncertain significance (3). 1 of the submissions does not count toward it. Last evaluated 2023-09-04.

Conditions:
Hereditary cancer-predisposing syndrome. Also called: Hereditary neoplastic syndrome; Hereditary Cancer Syndrome; Neoplastic Syndromes, Hereditary; Tumor predisposition. Identifiers: Orphanet 140162, MedGen C0027672, MeSH D009386, MONDO:0015356.
Fanconi anemia (FA). Also called: Fanconi's anemia. Identifiers: Orphanet 84, MedGen C0015625, MeSH D005199, MONDO:0019391.

Submissions (4):

Labcorp Genetics (formerly Invitae), Labcorp
Classification: Uncertain significance for Fanconi anemia. Last evaluated: 2023-09-04. Review status: criteria provided, single submitter. Criteria: Invitae Variant Classification Sherloc (09022015). Collection method: clinical testing. Allele origin: germline.
Comment: In summary, the available evidence is currently insufficient to determine the role of this variant in disease. Therefore, it has been classified as a Variant of Uncertain Significance. This sequence change replaces tryptophan, which is neutral and slightly polar, with cysteine, which is neutral and slightly polar, at codon 76 of the FANCC protein (p.Trp76Cys). This variant is not present in population databases (gnomAD no frequency). This variant has not been reported in the literature in individuals affected with FANCC-related conditions. ClinVar contains an entry for this variant (Variation ID: 234633). Advanced modeling of protein sequence and biophysical properties (such as structural, functional, and spatial information, amino acid conservation, physicochemical variation, residue mobility, and thermodynamic stability) performed at Invitae indicates that this missense variant is not expected to disrupt FANCC protein function.

Ambry Genetics
Classification: Uncertain significance for Hereditary cancer-predisposing syndrome. Last evaluated: 2022-11-03. Review status: criteria provided, single submitter. Criteria: Ambry Variant Classification Scheme 2023. Collection method: clinical testing. Allele origin: germline.
Comment: The p.W76C variant (also known as c.228G>T), located in coding exon 2 of the FANCC gene, results from a G to T substitution at nucleotide position 228. The tryptophan at codon 76 is replaced by cysteine, an amino acid with highly dissimilar properties. This amino acid position is conserved. In addition, this alteration is predicted to be tolerated by in silico analysis. Since supporting evidence is limited at this time, the clinical significance of this alteration remains unclear.

GeneDx
Classification: Uncertain significance. Last evaluated: 2015-11-23. Review status: criteria provided, single submitter. Criteria: GeneDx Variant Classification (06012015). Collection method: clinical testing. Allele origin: germline. Affected: yes.
Comment: This variant is denoted FANCC c.228G>T at the cDNA level, p.Trp76Cys (W76C) at the protein level, and results in the change of a Tryptophan to a Cysteine (TGG>TGT). This variant has not, to our knowledge, been published in the literature as pathogenic or benign. FANCC Trp76Cys was not observed in approximately 6,500 individuals of European and African American ancestry in the NHLBI Exome Sequencing Project, suggesting it is not a common benign variant in these populations. Since Tryptophan and Cysteine differ in polarity, charge, size or other properties, this is considered a non-conservative amino acid substitution. FANCC Trp76Cys occurs at a position that is not conserved and is located in the region of interaction with RED (Gordon 2000). In silico analyses predict that this variant is probably damaging to protein structure and function. Based on currently available evidence, it is unclear whether FANCC Trp76Cys is a pathogenic or benign variant. We consider it to be a variant of uncertain significance.

Natera, Inc.
Classification: Uncertain significance for Fanconi anemia. Last evaluated: 2021-06-29. Review status: no assertion criteria provided. Collection method: clinical testing. Allele origin: germline. Not counted in ClinVar's aggregate classification.